The following is an entry in ClinVar:

NM_023110.3(FGFR1):c.1604T>A (p.Met535Lys)

Gene: FGFR1 (fibroblast growth factor receptor 1; minus strand). Cytogenetic location: 8p11.23.
Variant type: single nucleotide variant.
Coding change: c.1604T>A on transcript NM_023110.3 (MANE Select); coding-DNA position 1604, T replaced by A.
Protein change: p.Met535Lys; replaces methionine 535 with lysine.
Molecular consequence: missense variant.
Genome position (GRCh38, 1-based): chr8:38,417,365, A>T on the plus strand (T>A on the coding strand, the complement: FGFR1 is on the minus strand). VCF-style: chr8-38417365-A-T. GRCh37 (hg19) VCF-style: chr8-38274883-A-T.
Other names: c.1598T>A, p.Met533Lys (NM_001174063.2, NM_001174065.2, NM_001354367.2 and 1 more transcripts); c.1574T>A, p.Met525Lys (NM_001174064.2); c.1337T>A, p.Met446Lys (NM_001174066.2, NM_023105.3); c.1697T>A, p.Met566Lys (NM_001174067.2); c.1325T>A, p.Met442Lys (NM_001354368.2); c.1592T>A, p.Met531Lys (NM_001354369.2); c.1331T>A, p.Met444Lys (NM_001354370.2, NM_023106.3); short protein forms M535K, M525K, M531K, M533K, M566K, M442K, M444K, M446K.
Identifiers: ClinVar variation 496784 (VCV000496784.2), dbSNP rs1554551667, ClinGen allele CA370732220.

ClinVar aggregate classification (germline): Pathogenic (1 of 4 stars; one submission).

Conditions:
Hartsfield-Bixler-Demyer syndrome (HRTFDS). Also called: FGFR1-Related Hartsfield Syndrome; Holoprosencephaly, ectrodactyly, and bilateral cleft lip/palate; Hartsfield syndrome. Identifiers: Orphanet 2117, MedGen C1845146, MONDO:0014196, OMIM 615465. Disease mechanism: loss of function.

Submission:

Muenke lab, National Institutes of Health
Classification: Pathogenic for Hartsfield-Bixler-Demyer syndrome. Last evaluated: 2018-03-09. Review status: criteria provided, single submitter. Criteria: Submitter's publication. Collection method: research. Allele origin: not applicable. Inheritance: Autosomal dominant inheritance.
Comment: Known disease association. ACMG criteria are met: PS3;PM1/PM2/PM5;PP2/PP3. Kinase domain; dominant negative interferes with kinase activation of receptor dimers.